The following is an entry in ClinVar:

NM_015046.7(SETX):c.1880T>C (p.Met627Thr)

Gene: SETX (senataxin; minus strand). Cytogenetic location: 9q34.13.
Variant type: single nucleotide variant.
Coding change: c.1880T>C on transcript NM_015046.7 (MANE Select); coding-DNA position 1880, T replaced by C.
Protein change: p.Met627Thr; replaces methionine 627 with threonine.
Molecular consequence: missense variant.
Genome position (GRCh38, 1-based): chr9:132,329,718, A>G on the plus strand (T>C on the coding strand, the complement: SETX is on the minus strand). VCF-style: chr9-132329718-A-G. GRCh37 (hg19) VCF-style: chr9-135205105-A-G.
Other names: c.1880T>C, p.Met627Thr (NM_001351527.2, NM_001351528.2); short protein forms M627T.
Identifiers: ClinVar variation 285880 (VCV000285880.20), dbSNP rs199707503, ClinGen allele CA5297703.

ClinVar aggregate classification (germline): Conflicting classifications of pathogenicity. Review status: criteria provided, conflicting classifications (1 of 4 stars). 5 submissions from 4 submitters: Uncertain significance (1); Benign (1); Likely benign (2). 1 of the submissions does not count toward it. Last evaluated 2024-06-25.

Conditions:
SETX-related disorder. Also called: SETX-related disorders; SETX-related condition. Identifiers: MedGen CN239403.
Amyotrophic lateral sclerosis type 4 (ALS4). Also called: AMYOTROPHIC LATERAL SCLEROSIS 4, JUVENILE; NEURONOPATHY, DISTAL HEREDITARY MOTOR, WITH PYRAMIDAL FEATURES. Identifiers: Orphanet 357043, MedGen C1865409, MONDO:0011223, OMIM 602433.
Spinocerebellar ataxia, autosomal recessive, with axonal neuropathy 2 (SCAN2). Also called: Ataxia with Oculomotor Apraxia; Ataxia-ocular apraxia-2; ATAXIA-OCULOMOTOR APRAXIA 2; Ataxia with Oculomotor Apraxia Type 2. Identifiers: Orphanet 64753, MedGen C1853761, MONDO:0018996, OMIM 606002.

Allele frequency attached by ClinVar (database versions not stated): gnomAD exomes 0.00007 and 0.00016; TOPMed 0.00009; ExAC 0.00012; 1000 Genomes Project 30x 0.00016; 1000 Genomes Project 0.00020; gnomAD 0.00006 and 0.00007.
gnomAD v4.1: 108 of 1,614,072 alleles (0.0067%); highest among the groups gnomAD compares: East Asian, 0.23%; no homozygotes.

Submissions (5):

Labcorp Genetics (formerly Invitae), Labcorp
Classification: Likely benign for Amyotrophic lateral sclerosis type 4; Spinocerebellar ataxia, autosomal recessive, with axonal neuropathy 2. Last evaluated: 2024-06-25. Review status: criteria provided, single submitter. Criteria: Invitae Variant Classification Sherloc (09022015). Collection method: clinical testing. Allele origin: germline.

Illumina Laboratory Services, Illumina
Classification: Benign for Amyotrophic lateral sclerosis type 4. Last evaluated: 2017-04-28. Review status: criteria provided, single submitter. Criteria: ICSL Variant Classification Criteria 13 December 2019. Collection method: clinical testing. Allele origin: germline.
Comment: This variant was observed as part of a predisposition screen in an ostensibly healthy population. A literature search was performed for the gene, cDNA change, and amino acid change (where applicable). Publications were found based on this search. The evidence from the literature, in combination with allele frequency data from public databases where available, was sufficient to rule this variant out of causing disease. Therefore, this variant is classified as benign.

Illumina Laboratory Services, Illumina
Classification: Likely benign for Spinocerebellar ataxia, autosomal recessive, with axonal neuropathy 2. Last evaluated: 2017-04-28. Review status: criteria provided, single submitter. Criteria: ICSL Variant Classification Criteria 13 December 2019. Collection method: clinical testing. Allele origin: germline.
Comment: This variant was observed as part of a predisposition screen in an ostensibly healthy population. A literature search was performed for the gene, cDNA change, and amino acid change (where applicable). Publications were found based on this search. The evidence from the literature, in combination with allele frequency data from public databases where available, was sufficient to determine this variant is unlikely to cause disease. Therefore, this variant is classified as likely benign.

Eurofins Ntd Llc (ga)
Classification: Uncertain significance. Last evaluated: 2016-02-11. Review status: criteria provided, single submitter. Criteria: EGL Classification Definitions 2015. Collection method: clinical testing. Allele origin: germline. Observed: 1 variant allele, 1 heterozygote.

PreventionGenetics, part of Exact Sciences
Classification: Likely benign for SETX-related condition. Last evaluated: 2023-04-17. Review status: no assertion criteria provided. Collection method: clinical testing. Allele origin: germline. Not counted in ClinVar's aggregate classification.
Comment: This variant is classified as likely benign based on ACMG/AMP sequence variant interpretation guidelines (Richards et al. 2015 PMID: 25741868, with internal and published modifications).

Literature cited by the submitters: PubMed 26601740 (cited by Illumina Laboratory Services, Illumina).